The following is an entry in ClinVar:

NM_005732.4(RAD50):c.717A>T (p.Glu239Asp)

Gene: RAD50 (RAD50 double strand break repair protein; plus strand). Cytogenetic location: 5q31.1.
Variant type: single nucleotide variant.
Coding change: c.717A>T on transcript NM_005732.4 (MANE Select); coding-DNA position 717, A replaced by T.
Protein change: p.Glu239Asp; replaces glutamic acid 239 with aspartic acid.
Molecular consequence: missense variant.
Genome position (GRCh38, 1-based): chr5:132,580,027, A>T. VCF-style: chr5-132580027-A-T. GRCh37 (hg19) VCF-style: chr5-131915719-A-T.
Other names: short protein forms E239D.
Identifiers: ClinVar variation 3224991 (VCV003224991.1), dbSNP rs2479617738, ClinGen allele CA360936955.

ClinVar aggregate classification (germline): Uncertain significance (1 of 4 stars; one submission).

Conditions:
Hereditary cancer-predisposing syndrome. Also called: Neoplastic Syndromes, Hereditary; Tumor predisposition; Hereditary neoplastic syndrome; Hereditary Cancer Syndrome. Identifiers: Orphanet 140162, MedGen C0027672, MeSH D009386, MONDO:0015356.

Submission:

Ambry Genetics
Classification: Uncertain significance for Hereditary cancer-predisposing syndrome. Last evaluated: 2023-11-03. Review status: criteria provided, single submitter. Criteria: Ambry Variant Classification Scheme 2023. Collection method: clinical testing. Allele origin: germline.
Comment: The p.E239D variant (also known as c.717A>T), located in coding exon 5 of the RAD50 gene, results from an A to T substitution at nucleotide position 717. The glutamic acid at codon 239 is replaced by aspartic acid, an amino acid with highly similar properties. This amino acid position is conserved. In addition, this alteration is predicted to be tolerated by in silico analysis. Since supporting evidence is limited at this time, the clinical significance of this alteration remains unclear.